The following is an entry in ClinVar:

NM_005762.3(TRIM28):c.1745C>T (p.Ala582Val)

Gene: TRIM28 (tripartite motif containing 28; plus strand). Cytogenetic location: 19q13.43.
Variant type: single nucleotide variant.
Coding change: c.1745C>T on transcript NM_005762.3 (MANE Select); coding-DNA position 1745, C replaced by T.
Protein change: p.Ala582Val; replaces alanine 582 with valine.
Molecular consequence: missense variant.
Genome position (GRCh38, 1-based): chr19:58,549,413, C>T. VCF-style: chr19-58549413-C-T. GRCh37 (hg19) VCF-style: chr19-59060780-C-T.
Other names: short protein forms A582V.
Identifiers: ClinVar variation 3633157 (VCV003633157.2).

ClinVar aggregate classification (germline): Uncertain significance (1 of 4 stars; one submission).

gnomAD v4.1: 62 of 1,597,980 alleles (0.0039%); highest among the groups gnomAD compares: South Asian, 0.021%; 1 homozygote.

Submission:

Labcorp Genetics (formerly Invitae), Labcorp
Classification: Uncertain significance. Last evaluated: 2024-05-28. Review status: criteria provided, single submitter. Criteria: Invitae Variant Classification Sherloc (09022015). Collection method: clinical testing. Allele origin: germline.
Comment: This sequence change replaces alanine, which is neutral and non-polar, with valine, which is neutral and non-polar, at codon 582 of the TRIM28 protein (p.Ala582Val). This variant is present in population databases (rs765499008, gnomAD 0.007%). This variant has not been reported in the literature in individuals affected with TRIM28-related conditions. Experimental studies and prediction algorithms are not available or were not evaluated, and the functional significance of this variant is currently unknown. In summary, the available evidence is currently insufficient to determine the role of this variant in disease. Therefore, it has been classified as a Variant of Uncertain Significance.